The following is an entry in ClinVar:

ClinVar aggregate classification (germline): Uncertain significance. Review status: criteria provided, multiple submitters, no conflicts (2 of 4 stars). 7 submissions from 7 submitters: Uncertain significance (6). 1 of the submissions does not count toward it. Last evaluated 2026-01-08.

Conditions:
POLE-related disorder. Also called: POLE-related disorders; POLE-related condition.
Hereditary cancer-predisposing syndrome. Also called: Hereditary neoplastic syndrome; Tumor predisposition; Neoplastic Syndromes, Hereditary; Hereditary Cancer Syndrome. Identifiers: Orphanet 140162, MedGen C0027672, MeSH D009386, MONDO:0015356.
Colorectal cancer, susceptibility to, 12 (CRCS12). Also called: COLORECTAL CANCER, SUSCEPTIBILITY TO, ON CHROMOSOME 12q24. Identifiers: Orphanet 220460, MedGen C3554460, MONDO:0014038, OMIM 615083.

Allele frequency attached by ClinVar (database versions not stated): gnomAD 0.00003 and 0.00004; gnomAD exomes 0.00003; TOPMed 0.00003; ExAC 0.00005; ESP Exome Variant Server 0.00008.
gnomAD v4.1: 50 of 1,605,830 alleles (0.0031%); highest among the groups gnomAD compares: Non-Finnish European, 0.0037%; no homozygotes.

Submissions (7):

Labcorp Genetics (formerly Invitae), Labcorp
Classification: Uncertain significance. Last evaluated: 2026-01-08. Review status: criteria provided, single submitter. Criteria: Invitae Variant Classification Sherloc (09022015). Collection method: clinical testing. Allele origin: germline.
Comment: This sequence change replaces cysteine, which is neutral and slightly polar, with arginine, which is basic and polar, at codon 2170 of the POLE protein (p.Cys2170Arg). This variant is present in population databases (rs138094751, gnomAD 0.006%). This variant has not been reported in the literature in individuals affected with POLE-related conditions. ClinVar contains an entry for this variant (Variation ID: 473804). Invitae Evidence Modeling of protein sequence and biophysical properties (such as structural, functional, and spatial information, amino acid conservation, physicochemical variation, residue mobility, and thermodynamic stability) has been performed for this missense variant. However, the output from this modeling did not meet the statistical confidence thresholds required to predict the impact of this variant on POLE protein function. In summary, the available evidence is currently insufficient to determine the role of this variant in disease. Therefore, it has been classified as a Variant of Uncertain Significance.

Ambry Genetics
Classification: Uncertain significance for Hereditary cancer-predisposing syndrome. Last evaluated: 2024-12-06. Review status: criteria provided, single submitter. Criteria: Ambry Variant Classification Scheme 2023. Collection method: clinical testing. Allele origin: germline.
Comment: The p.C2170R variant (also known as c.6508T>C), located in coding exon 46 of the POLE gene, results from a T to C substitution at nucleotide position 6508. The cysteine at codon 2170 is replaced by arginine, an amino acid with highly dissimilar properties. This amino acid position is highly conserved in available vertebrate species. In addition, this alteration is predicted to be deleterious by in silico analysis. Based on the available evidence, the clinical significance of this variant remains unclear.

Genomic Medicine Center of Excellence, King Faisal Specialist Hospital and Research Centre
Classification: Uncertain significance for Colorectal cancer, susceptibility to, 12. Last evaluated: 2024-03-26. Review status: criteria provided, single submitter. Criteria: ACMG Guidelines, 2015. Collection method: clinical testing. Allele origin: germline.

GeneDx
Classification: Uncertain significance. Last evaluated: 2023-05-17. Review status: criteria provided, single submitter. Criteria: GeneDx Variant Classification Process June 2021. Collection method: clinical testing. Allele origin: germline. Affected: yes.
Comment: In silico analysis supports that this missense variant has a deleterious effect on protein structure/function; Has not been previously published as pathogenic or benign to our knowledge; This variant is associated with the following publications: (PMID: 19296856)

Quest Diagnostics Nichols Institute San Juan Capistrano
Classification: Uncertain significance. Last evaluated: 2019-07-03. Review status: criteria provided, single submitter. Criteria: Quest Diagnostics criteria. Collection method: clinical testing. Allele origin: germline.

CeGaT Center for Human Genetics Tuebingen
Classification: Uncertain significance. Last evaluated: 2018-03-01. Review status: criteria provided, single submitter. Criteria: CeGaT Center For Human Genetics Tuebingen Variant Classification Criteria Version 2. Collection method: clinical testing. Allele origin: germline. Affected: yes. Observed: 1 variant allele.

PreventionGenetics, part of Exact Sciences
Classification: Uncertain significance for POLE-related condition. Last evaluated: 2024-03-26. Review status: no assertion criteria provided. Collection method: clinical testing. Allele origin: germline. Not counted in ClinVar's aggregate classification.
Comment: The POLE c.6508T>C variant is predicted to result in the amino acid substitution p.Cys2170Arg. This variant has been reported in an individual with colorectal cancer, who also had a nonsense variant in MSH6, and missense variants in POLE and CDH1 (Supplementary Table 3 in Bhai et al 2021. PubMed ID: 34326862). This variant is reported in 0.0057% of alleles in individuals of East Asian descent in gnomAD. This variant is interpreted in ClinVar as a variant of uncertain significance. At this time, the clinical significance of this variant is uncertain due to the absence of conclusive functional and genetic evidence.

NM_006231.4(POLE):c.6508T>C (p.Cys2170Arg)

Gene: POLE (DNA polymerase epsilon, catalytic subunit; minus strand). Cytogenetic location: 12q24.33.
Variant type: single nucleotide variant.
Coding change: c.6508T>C on transcript NM_006231.4 (MANE Select); coding-DNA position 6508, T replaced by C.
Protein change: p.Cys2170Arg; replaces cysteine 2170 with arginine.
Molecular consequence: missense variant.
Genome position (GRCh38, 1-based): chr12:132,626,140, A>G on the plus strand (T>C on the coding strand, the complement: POLE is on the minus strand). VCF-style: chr12-132626140-A-G. GRCh37 (hg19) VCF-style: chr12-133202726-A-G.
Other names: short protein forms C2170R.
Identifiers: ClinVar variation 473804 (VCV000473804.56), dbSNP rs138094751, ClinGen allele CA6892162.